The following is an entry in ClinVar:

ClinVar aggregate classification (germline): Conflicting classifications of pathogenicity. Review status: criteria provided, conflicting classifications (1 of 4 stars). 3 submissions from 3 submitters: Uncertain significance (1); Likely benign (2). Last evaluated 2024-12-02.

Allele frequency attached by ClinVar (database versions not stated): gnomAD 0.00015; 1000 Genomes Project 30x 0.00094; 1000 Genomes Project 0.00120.
gnomAD v4.1: 148 of 1,614,152 alleles (0.0092%); highest among the groups gnomAD compares: East Asian, 0.29%; 1 homozygote.

Submissions (3):

Labcorp Genetics (formerly Invitae), Labcorp
Classification: Likely benign. Last evaluated: 2024-12-02. Review status: criteria provided, single submitter. Criteria: Invitae Variant Classification Sherloc (09022015). Collection method: clinical testing. Allele origin: germline.

Blueprint Genetics
Classification: Uncertain significance. Last evaluated: 2023-08-11. Review status: criteria provided, single submitter. Criteria: ACMG Guidelines, 2015. Collection method: clinical testing. Allele origin: germline.

GeneDx
Classification: Likely benign. Last evaluated: 2021-01-13. Review status: criteria provided, single submitter. Criteria: GeneDx Variant Classification Process June 2021. Collection method: clinical testing. Allele origin: germline. Affected: yes.
Comment: See Variant Classification Assertion Criteria.

NM_000085.5(CLCNKB):c.280C>A (p.Leu94Ile)

Genes: CLCNKB (chloride voltage-gated channel Kb; plus strand), LOC106501713 (CLCNKB recombination region; plus strand). Cytogenetic location: 1p36.13.
Variant type: single nucleotide variant.
Coding change: c.280C>A on transcript NM_000085.5 (MANE Select); coding-DNA position 280, C replaced by A.
Protein change: p.Leu94Ile; replaces leucine 94 with isoleucine.
Molecular consequence: missense variant.
Genome position (GRCh38, 1-based): chr1:16,046,585, C>A. VCF-style: chr1-16046585-C-A. GRCh37 (hg19) VCF-style: chr1-16373080-C-A.
Other names: short protein forms L94I.
Identifiers: ClinVar variation 1345743 (VCV001345743.10), dbSNP rs201876924, ClinGen allele CA623255.
Genomic context (GRCh38, chr1:16,046,585, plus strand): 5'-CTGTCCCCAGCGCACCAGTGGCTGTACAGGGAGATTGGGGACAGCCACCTGCTCCGGTAT[C>A]TCTCCTGGACTGTGTACCCTGTGGCCCTCGTCTCTTTCTCTTCAGGCTTCTCTCAGAGCA-3'
Protein context (NP_000076.2, residues 84-104): EIGDSHLLRY[Leu94Ile]SWTVYPVALV